The following is an entry in ClinVar:

NM_013436.5(NCKAP1):c.2883A>G (p.Leu961=)

Gene: NCKAP1 (NCK associated protein 1; minus strand). Cytogenetic location: 2q32.1.
Variant type: single nucleotide variant.
Coding change: c.2883A>G on transcript NM_013436.5 (MANE Select); coding-DNA position 2883, A replaced by G.
Protein change: p.Leu961=; no amino-acid change (leucine 961 retained).
Molecular consequence: synonymous variant.
Genome position (GRCh38, 1-based): chr2:182,930,765, T>C on the plus strand (A>G on the coding strand, the complement: NCKAP1 is on the minus strand). VCF-style: chr2-182930765-T-C. GRCh37 (hg19) VCF-style: chr2-183795493-T-C.
Other names: c.2901A>G, p.Leu967= (NM_205842.3).
Identifiers: ClinVar variation 3035050 (VCV003035050.2), dbSNP rs138921784, ClinGen allele CA2014241.

ClinVar aggregate classification (germline): Likely benign (0 of 4 stars; one submission).

Conditions:
NCKAP1-related disorder. Also called: NCKAP1-related condition.

Allele frequency attached by ClinVar (database versions not stated): gnomAD exomes 0.00006; ExAC 0.00014; 1000 Genomes Project 0.00040; gnomAD 0.00053; TOPMed 0.00055; 1000 Genomes Project 30x 0.00062; ESP Exome Variant Server 0.00085.
gnomAD v4.1: 167 of 1,613,380 alleles (0.01%); highest among the groups gnomAD compares: African/African-American, 0.21%; 1 homozygote.

Submission:

PreventionGenetics, part of Exact Sciences
Classification: Likely benign for NCKAP1-related condition. Last evaluated: 2019-07-29. Review status: no assertion criteria provided. Collection method: clinical testing. Allele origin: germline.
Comment: This variant is classified as likely benign based on ACMG/AMP sequence variant interpretation guidelines (Richards et al. 2015 PMID: 25741868, with internal and published modifications).